The following is an entry in ClinVar:

NM_054012.4(ASS1):c.687dup (p.Gly230fs)

Gene: ASS1 (argininosuccinate synthase 1; plus strand). Cytogenetic location: 9q34.11.
Variant type: Duplication.
Coding change: c.687dup on transcript NM_054012.4 (MANE Select); coding-DNA position 687, one base duplicated (A; older notation c.687dupA).
Protein change: p.Gly230fs; shifts the reading frame from glycine 230.
Molecular consequence: frameshift variant.
Genome position (GRCh38, 1-based): chr9:130,476,960, A duplicated; the last of 6 consecutive A bases (chr9:130,476,955-130,476,960); duplicating any one gives the same sequence. VCF-style (leftmost placement, unchanged base first): chr9-130476954-C-CA. GRCh37 (hg19) VCF-style: chr9-133352341-C-CA.
Other names: c.687dup, p.Gly230fs (NM_000050.4); short protein forms G230fs.
Identifiers: ClinVar variation 2034705 (VCV002034705.4), dbSNP rs2490582195, ClinGen allele CA2580079812.

ClinVar aggregate classification (germline): Pathogenic (1 of 4 stars; one submission).

Conditions:
Citrullinemia. Identifiers: Orphanet 187, MedGen C0175683, MONDO:0015991.

Submission:

Labcorp Genetics (formerly Invitae), Labcorp
Classification: Pathogenic for Citrullinemia. Last evaluated: 2022-10-08. Review status: criteria provided, single submitter. Criteria: Invitae Variant Classification Sherloc (09022015). Collection method: clinical testing. Allele origin: germline.
Comment: This variant has not been reported in the literature in individuals affected with ASS1-related conditions. For these reasons, this variant has been classified as Pathogenic. This variant is not present in population databases (gnomAD no frequency). This sequence change creates a premature translational stop signal (p.Gly230Argfs*38) in the ASS1 gene. It is expected to result in an absent or disrupted protein product. Loss-of-function variants in ASS1 are known to be pathogenic (PMID: 18473344, 19006241).

Literature cited by the submitters: PubMed 18473344; PubMed 19006241.